The following is an entry in ClinVar:

NM_003190.5(TAPBP):c.550T>C (p.Tyr184His)

Gene: TAPBP (TAP binding protein; minus strand). Cytogenetic location: 6p21.32.
Variant type: single nucleotide variant.
Coding change: c.550T>C on transcript NM_003190.5 (MANE Select); coding-DNA position 550, T replaced by C.
Protein change: p.Tyr184His; replaces tyrosine 184 with histidine.
Molecular consequence: missense variant.
Genome position (GRCh38, 1-based): chr6:33,305,307, A>G on the plus strand (T>C on the coding strand, the complement: TAPBP is on the minus strand). VCF-style: chr6-33305307-A-G. GRCh37 (hg19) VCF-style: chr6-33273084-A-G.
Other names: c.550T>C, p.Tyr184His (NM_001410875.1, NM_172208.3); c.289T>C, p.Tyr97His (NM_172209.3); short protein forms Y184H, Y97H.
Identifiers: ClinVar variation 2833868 (VCV002833868.3), dbSNP rs2536728155, ClinGen allele CA363691945.
Genomic context (GRCh38, chr6:33,305,307, plus strand): 5'-GCCCAAAGGGAGGGGGACCCGGAGCCAGAGATGAGGCGGCCTCGGAGGTGGGGGGCATGT[A>G]GGCAAAGCTCAAGTCCAGCAGAGCATCTTGTCCCAGTCTCACTCGAGGGGCAGGGGTGTG-3'
Protein context (NP_003181.3, residues 174-194): QDALLDLSFA[Tyr184His]MPPTSEAASS

ClinVar aggregate classification (germline): Uncertain significance (1 of 4 stars; one submission).

Conditions:
MHC class I deficiency. Identifiers: Orphanet 34592, MedGen C6024714, MONDO:0011476.

Submission:

Labcorp Genetics (formerly Invitae), Labcorp
Classification: Uncertain significance for MHC class I deficiency 1. Last evaluated: 2024-04-25. Review status: criteria provided, single submitter. Criteria: Invitae Variant Classification Sherloc (09022015). Collection method: clinical testing. Allele origin: germline.
Comment: This sequence change replaces tyrosine, which is neutral and polar, with histidine, which is basic and polar, at codon 184 of the TAPBP protein (p.Tyr184His). This variant is not present in population databases (gnomAD no frequency). This variant has not been reported in the literature in individuals affected with TAPBP-related conditions. An algorithm developed to predict the effect of missense changes on protein structure and function (PolyPhen-2) suggests that this variant is likely to be disruptive. In summary, the available evidence is currently insufficient to determine the role of this variant in disease. Therefore, it has been classified as a Variant of Uncertain Significance.